The following is an entry in ClinVar:

NM_005228.5(EGFR):c.3178A>G (p.Ile1060Val)

Gene: EGFR (epidermal growth factor receptor; plus strand). Cytogenetic location: 7p11.2.
Variant type: single nucleotide variant.
Coding change: c.3178A>G on transcript NM_005228.5 (MANE Select); coding-DNA position 3178, A replaced by G.
Protein change: p.Ile1060Val; replaces isoleucine 1060 with valine.
Molecular consequence: missense variant.
Genome position (GRCh38, 1-based): chr7:55,202,532, A>G. VCF-style: chr7-55202532-A-G. GRCh37 (hg19) VCF-style: chr7-55270225-A-G.
Other names: c.3043A>G, p.Ile1015Val (NM_001346897.2, NM_001346899.2); c.3178A>G, p.Ile1060Val (NM_001346898.2); c.3019A>G, p.Ile1007Val (NM_001346900.2); c.2377A>G, p.Ile793Val (NM_001346941.2); short protein forms I793V, I1015V, I1060V, I1007V.
Identifiers: ClinVar variation 956553 (VCV000956553.10), dbSNP rs1787894538, ClinGen allele CA367583195.

ClinVar aggregate classification (germline): Uncertain significance. Review status: criteria provided, multiple submitters, no conflicts (2 of 4 stars). 2 submissions from 2 submitters: Uncertain significance (2). Last evaluated 2025-01-14.

Conditions:
Hereditary cancer-predisposing syndrome. Also called: Hereditary neoplastic syndrome; Tumor predisposition; Neoplastic Syndromes, Hereditary; Hereditary Cancer Syndrome. Identifiers: Orphanet 140162, MedGen C0027672, MeSH D009386, MONDO:0015356.
EGFR-related lung cancer (EGFR). Identifiers: MedGen CN130014.

Allele frequency attached by ClinVar (database versions not stated): gnomAD exomes below 0.00001.
gnomAD v4.1: 1 of 1,610,412 alleles (0.000062%); highest among the groups gnomAD compares: Non-Finnish European, 0.000085%; no homozygotes.

Submissions (2):

Ambry Genetics
Classification: Uncertain significance for Hereditary cancer-predisposing syndrome. Last evaluated: 2025-01-14. Review status: criteria provided, single submitter. Criteria: Ambry Variant Classification Scheme 2023. Collection method: clinical testing. Allele origin: germline.
Comment: The p.I1060V variant (also known as c.3178A>G), located in coding exon 27 of the EGFR gene, results from an A to G substitution at nucleotide position 3178. The isoleucine at codon 1060 is replaced by valine, an amino acid with highly similar properties. This amino acid position is conserved. In addition, this alteration is predicted to be tolerated by in silico analysis. Based on the available evidence, the clinical significance of this variant remains unclear.

Labcorp Genetics (formerly Invitae), Labcorp
Classification: Uncertain significance for EGFR-related lung cancer. Last evaluated: 2023-08-10. Review status: criteria provided, single submitter. Criteria: Invitae Variant Classification Sherloc (09022015). Collection method: clinical testing. Allele origin: germline.
Comment: This sequence change replaces isoleucine, which is neutral and non-polar, with valine, which is neutral and non-polar, at codon 1060 of the EGFR protein (p.Ile1060Val). This variant is not present in population databases (gnomAD no frequency). This variant has not been reported in the literature in individuals affected with EGFR-related conditions. ClinVar contains an entry for this variant (Variation ID: 956553). Algorithms developed to predict the effect of missense changes on protein structure and function output the following: SIFT: "Not Available"; PolyPhen-2: "Benign"; Align-GVGD: "Not Available". The valine amino acid residue is found in multiple mammalian species, which suggests that this missense change does not adversely affect protein function. In summary, the available evidence is currently insufficient to determine the role of this variant in disease. Therefore, it has been classified as a Variant of Uncertain Significance.